The following is an entry in ClinVar:

ClinVar aggregate classification (germline): Benign (1 of 4 stars; one submission).

Conditions:
Congenital Muscular Dystrophy, alpha-dystroglycan related.

Allele frequency attached by ClinVar (database versions not stated): 1000 Genomes Project 30x 0.82573; TOPMed 0.82578; gnomAD 0.82641 and 0.82996; 1000 Genomes Project 0.82987.

Submissions (5):

Illumina Laboratory Services, Illumina
Classification: Benign for Congenital Muscular Dystrophy, alpha-dystroglycan related. Last evaluated: 2018-01-13. Review status: criteria provided, single submitter. Criteria: ICSL Variant Classification Criteria 13 December 2019. Collection method: clinical testing. Allele origin: germline.
Comment: This variant was observed in the ICSL laboratory as part of a predisposition screen in an ostensibly healthy population. It had not been previously curated by ICSL or reported in the Human Gene Mutation Database (HGMD: prior to June 1st, 2018), and was therefore a candidate for classification through an automated scoring system. Utilizing variant allele frequency, disease prevalence and penetrance estimates, and inheritance mode, an automated score was calculated to assess if this variant is too frequent to cause the disease. Based on the score and internal cut-off values, a variant classified as benign is not then subjected to further curation. The score for this variant resulted in a classification of benign for this disease.

Dr. Peter K. Rogan Lab, Western University
No classification provided (evidence only). Condition: Cervical cancer. Review status: no classification provided. Collection method: in vitro. Allele origin: not applicable. Functional consequence: retained intron. Not counted in ClinVar's aggregate classification.

Dr. Peter K. Rogan Lab, Western University
No classification provided (evidence only). Condition: Sarcoma. Review status: no classification provided. Collection method: in vitro. Allele origin: not applicable. Functional consequence: retained intron. Not counted in ClinVar's aggregate classification.

Dr. Peter K. Rogan Lab, Western University
No classification provided (evidence only). Condition: Thymoma. Review status: no classification provided. Collection method: in vitro. Allele origin: not applicable. Functional consequence: retained intron. Not counted in ClinVar's aggregate classification.

Dr. Peter K. Rogan Lab, Western University
No classification provided (evidence only). Condition: Uterine carcinosarcoma. Review status: no classification provided. Collection method: in vitro. Allele origin: not applicable. Functional consequence: retained intron. Not counted in ClinVar's aggregate classification.

NM_001101426.4(CRPPA):c.*988G>T

Gene: CRPPA (CDP-L-ribitol pyrophosphorylase A; minus strand). Cytogenetic location: 7p21.2.
Variant type: single nucleotide variant.
Coding change: c.*988G>T on transcript NM_001101426.4 (MANE Select); 988 bases downstream of the stop codon, G replaced by T.
Molecular consequence: 3 prime UTR variant. On other transcripts: non-coding transcript variant (1).
Genome position (GRCh38, 1-based): chr7:16,090,707, C>A on the plus strand (G>T on the coding strand, the complement: CRPPA is on the minus strand). VCF-style: chr7-16090707-C-A. GRCh37 (hg19) VCF-style: chr7-16130332-C-A.
Other names: NC_000007.13:g.16130332C>A; c.*988G>T (NM_001101417.4, NM_001368197.1).
Identifiers: ClinVar variation 359566 (VCV000359566.6), dbSNP rs1918859, ClinGen allele CA10623593.
Genomic context (GRCh38, chr7:16,090,707, plus strand): 5'-CAGGAGGCAGAGGTTGCAGTCAGCTGAGATTGTGCCACTGCACTCCAGCCTGACAGAGGG[C>A]GACTGCATTTCAAAACAATAAAAAATAAAATAAATAGAGTAAGTGTATGTATAGATTAAA-3'